The following is an entry in ClinVar:

NM_001099922.3(ALG13):c.1640A>C (p.Gln547Pro)

Gene: ALG13 (ALG13 UDP-N-acetylglucosaminyltransferase subunit; plus strand). Cytogenetic location: Xq23.
Variant type: single nucleotide variant.
Coding change: c.1640A>C on transcript NM_001099922.3 (MANE Select); coding-DNA position 1640, A replaced by C.
Protein change: p.Gln547Pro; replaces glutamine 547 with proline.
Molecular consequence: missense variant. On other transcripts: non-coding transcript variant (1).
Genome position (GRCh38, 1-based): chrX:111,724,972, A>C. VCF-style: chrX-111724972-A-C. GRCh37 (hg19) VCF-style: chrX-110968200-A-C.
Other names: c.1328A>C, p.Gln443Pro (NM_001257230.2, NM_001257234.2, NM_001257237.2); c.1406A>C, p.Gln469Pro (NM_001257231.2); c.1640A>C, p.Gln547Pro (NM_001324292.2); c.1154A>C, p.Gln385Pro (NM_001324293.1); short protein forms Q385P, Q443P, Q469P, Q547P.
Identifiers: ClinVar variation 4083430 (VCV004083430.1).

ClinVar aggregate classification (germline): Uncertain significance (1 of 4 stars; one submission).

gnomAD v4.1: 2 of 1,211,016 alleles (0.00017%); highest among the groups gnomAD compares: Non-Finnish European, 0.00022%; no homozygotes.

Submission:

GeneDx
Classification: Uncertain significance. Last evaluated: 2025-03-13. Review status: criteria provided, single submitter. Criteria: GeneDx Variant Classification Process June 2021. Collection method: clinical testing. Allele origin: germline. Affected: yes.
Comment: Not observed at significant frequency in large population cohorts (gnomAD); In silico analysis supports that this missense variant has a deleterious effect on protein structure/function; Has not been previously published as pathogenic or benign to our knowledge